The following is an entry in ClinVar:

NM_001211.6(BUB1B):c.2909A>C (p.Gln970Pro)

Genes: BUB1B (BUB1 mitotic checkpoint serine/threonine kinase B; plus strand), BUB1B-PAK6 (BUB1B-PAK6 readthrough; plus strand). Cytogenetic location: 15q15.1.
Variant type: single nucleotide variant.
Coding change: c.2909A>C on transcript NM_001211.6 (MANE Select); coding-DNA position 2909, A replaced by C.
Protein change: p.Gln970Pro; replaces glutamine 970 with proline.
Molecular consequence: missense variant. On other transcripts: intron variant (2).
Genome position (GRCh38, 1-based): chr15:40,218,514, A>C. VCF-style: chr15-40218514-A-C. GRCh37 (hg19) VCF-style: chr15-40510715-A-C.
Other names: c.-201+847A>C (NM_001128628.3); c.-118+847A>C (NM_001128629.3); short protein forms Q970P.
Identifiers: ClinVar variation 1797539 (VCV001797539.2), dbSNP rs377751129, ClinGen allele CA7476159.

ClinVar aggregate classification (germline): Uncertain significance (1 of 4 stars; one submission).

Conditions:
Inborn genetic diseases. Identifiers: MedGen C0950123, MeSH D030342.

Allele frequency attached by ClinVar (database versions not stated): ExAC 0.00001; gnomAD 0.00001; TOPMed 0.00001; ESP Exome Variant Server 0.00008.
gnomAD v4.1: 2 of 1,614,016 alleles (0.00012%); highest among the groups gnomAD compares: Non-Finnish European, 0.000085%; no homozygotes.

Submission:

Ambry Genetics
Classification: Uncertain significance for Inborn genetic diseases. Last evaluated: 2023-12-24. Review status: criteria provided, single submitter. Criteria: Ambry Variant Classification Scheme 2023. Collection method: clinical testing. Allele origin: germline.
Comment: The p.Q970P variant (also known as c.2909A>C), located in coding exon 22 of the BUB1B gene, results from an A to C substitution at nucleotide position 2909. The glutamine at codon 970 is replaced by proline, an amino acid with similar properties. This amino acid position is conserved. In addition, the in silico prediction for this alteration is inconclusive. Since supporting evidence is limited at this time, the clinical significance of this alteration remains unclear.